The following is an entry in ClinVar:

NM_001083961.2(WDR62):c.1551-16G>A

Gene: WDR62 (WD repeat domain 62; plus strand). Cytogenetic location: 19q13.12.
Variant type: single nucleotide variant.
Coding change: c.1551-16G>A on transcript NM_001083961.2 (MANE Select); 16 bases into the intron before coding-DNA position 1551, G replaced by A.
Molecular consequence: intron variant.
Genome position (GRCh38, 1-based): chr19:36,084,637, G>A. VCF-style: chr19-36084637-G-A. GRCh37 (hg19) VCF-style: chr19-36575539-G-A.
Other names: c.1551-16G>A (NM_173636.5).
Identifiers: ClinVar variation 507211 (VCV000507211.2), dbSNP rs562993441, ClinGen allele CA9395645.
Genomic context (GRCh38, chr19:36,084,637, plus strand): 5'-TTCTGACCTATTCTAGAAGTGGTAGAGCACATGGGGCTGGGGTGTGGGGCTTCAGCGGGC[G>A]GTGTGTGTCTCCCAGGATCCACGAGCTGCACTTCATGGACGAGCTGGTCAAGGTGGAGGC-3'

ClinVar aggregate classification (germline): Likely benign. Review status: criteria provided, multiple submitters, no conflicts (2 of 4 stars). 2 submissions from 2 submitters: Likely benign (2). Last evaluated 2025-07-31.

Allele frequency attached by ClinVar (database versions not stated): gnomAD 0.00002 and 0.00003; TOPMed 0.00005; ExAC 0.00007; 1000 Genomes Project 30x 0.00016; 1000 Genomes Project 0.00020.
gnomAD v4.1: 24 of 1,613,096 alleles (0.0015%); highest among the groups gnomAD compares: Admixed American, 0.02%; no homozygotes.

Submissions (2):

Labcorp Genetics (formerly Invitae), Labcorp
Classification: Likely benign. Last evaluated: 2025-07-31. Review status: criteria provided, single submitter. Criteria: Invitae Variant Classification Sherloc (09022015). Collection method: clinical testing. Allele origin: germline.

GeneDx
Classification: Likely benign. Last evaluated: 2017-02-14. Review status: criteria provided, single submitter. Criteria: GeneDx Variant Classification (06012015). Collection method: clinical testing. Allele origin: germline. Affected: yes.
Comment: This variant is considered likely benign or benign based on one or more of the following criteria: it is a conservative change, it occurs at a poorly conserved position in the protein, it is predicted to be benign by multiple in silico algorithms, and/or has population frequency not consistent with disease.